The following is an entry in ClinVar:

NM_000059.4(BRCA2):c.3683del (p.Asn1228fs)

Gene: BRCA2 (BRCA2 DNA repair associated; plus strand). Cytogenetic location: 13q13.1.
Variant type: Deletion.
Coding change: c.3683del on transcript NM_000059.4 (MANE Select); coding-DNA position 3683, one base deleted (A; older notation c.3683delA).
Protein change: p.Asn1228fs; shifts the reading frame from asparagine 1228.
Molecular consequence: frameshift variant.
Genome position (GRCh38, 1-based): chr13:32,338,038, A deleted; the last of 2 consecutive A bases (chr13:32,338,037-32,338,038); deleting either gives the same sequence. VCF-style (leftmost placement, unchanged base first): chr13-32338036-GA-G. GRCh37 (hg19) VCF-style: chr13-32912173-GA-G.
Other names: c.3683delA, p.Asn1228Metfs (NM_001406719.1, NM_001406720.1); short protein forms N1228fs.
Identifiers: ClinVar variation 1733901 (VCV001733901.7), dbSNP rs2548526616, ClinGen allele CA2580087219.
Genomic context (GRCh38, chr13:32,338,036, plus strand): 5'-TTTAACAGATGAAAATGAAGTGGGGTTTAGGGGCTTTTATTCTGCTCATGGCACAAAACT[GA>G]ATGTTTCTACTGAAGCTCTGCAAAAAGCTGTGAAACTGTTTAGTGATATTGAGAATATTA-3'

ClinVar aggregate classification (germline): Pathogenic. Review status: criteria provided, multiple submitters, no conflicts (2 of 4 stars). 2 submissions from 2 submitters: Pathogenic (2). Last evaluated 2022-06-30.

Conditions:
Hereditary breast ovarian cancer syndrome. Also called: Hereditary breast and ovarian cancer syndrome; Breast and ovarian cancer; Hereditary breast and/or ovarian cancer syndrome; Hereditary breast and ovarian cancer; BRCA1- and BRCA2-Associated Hereditary Breast and Ovarian Cancer; Hereditary breast and ovarian cancer syndrome (HBOC). Identifiers: Orphanet 145, MedGen C0677776, MeSH D061325, MONDO:0003582. Disease mechanism: loss of function.
Hereditary cancer-predisposing syndrome. Also called: Neoplastic Syndromes, Hereditary; Tumor predisposition; Hereditary Cancer Syndrome; Hereditary neoplastic syndrome. Identifiers: Orphanet 140162, MedGen C0027672, MeSH D009386, MONDO:0015356.

Submissions (2):

Labcorp Genetics (formerly Invitae), Labcorp
Classification: Pathogenic for Hereditary breast ovarian cancer syndrome. Last evaluated: 2022-06-30. Review status: criteria provided, single submitter. Criteria: Invitae Variant Classification Sherloc (09022015). Collection method: clinical testing. Allele origin: germline.
Comment: For these reasons, this variant has been classified as Pathogenic. This premature translational stop signal has been observed in individual(s) with a personal or family history of breast and/or ovarian cancer (PMID: 29483665). This variant is not present in population databases (gnomAD no frequency). This sequence change creates a premature translational stop signal (p.Asn1228Metfs*11) in the BRCA2 gene. It is expected to result in an absent or disrupted protein product. Loss-of-function variants in BRCA2 are known to be pathogenic (PMID: 20104584).

Ambry Genetics
Classification: Pathogenic for Hereditary cancer-predisposing syndrome. Last evaluated: 2022-05-27. Review status: criteria provided, single submitter. Criteria: Ambry Variant Classification Scheme 2023. Collection method: clinical testing. Allele origin: germline.
Comment: The c.3683delA variant, located in coding exon 10 of the BRCA2 gene, results from a deletion of one nucleotide at nucleotide position 3683, causing a translational frameshift with a predicted alternate stop codon (p.N1228Mfs*11). This variant is considered to be rare based on population cohorts in the Genome Aggregation Database (gnomAD). This alteration is expected to result in loss of function by premature protein truncation or nonsense-mediated mRNA decay. As such, this alteration is interpreted as a disease-causing mutation.

Literature cited by the submitters: PubMed 29483665 (cited by Labcorp Genetics (formerly Invitae), Labcorp); PubMed 20104584 (cited by Labcorp Genetics (formerly Invitae), Labcorp).